The following is an entry in ClinVar:

NM_000038.6(APC):c.569A>C (p.Glu190Ala)

Gene: APC (APC regulator of Wnt signaling pathway; plus strand). Cytogenetic location: 5q22.2.
Variant type: single nucleotide variant.
Coding change: c.569A>C on transcript NM_000038.6 (MANE Select); coding-DNA position 569, A replaced by C.
Protein change: p.Glu190Ala; replaces glutamic acid 190 with alanine.
Molecular consequence: missense variant. On other transcripts: 5 prime UTR variant (4), non-coding transcript variant (2).
Genome position (GRCh38, 1-based): chr5:112,780,827, A>C. VCF-style: chr5-112780827-A-C. GRCh37 (hg19) VCF-style: chr5-112116524-A-C.
Other names: c.569A>C, p.Glu190Ala (NM_001407455.1, NM_001407456.1, NM_001407457.1 and 16 more transcripts); c.-467A>C (NM_001407471.1, NM_001407470.1, NM_001354906.2 and 1 more transcripts); c.599A>C, p.Glu200Ala (NM_001127511.3, NM_001354897.2, NM_001354902.2 and 1 more transcripts); c.494A>C, p.Glu165Ala (NM_001354898.2, NM_001354904.2, NM_001407451.1); c.392A>C, p.Glu131Ala (NM_001354900.2, NM_001354901.2, NM_001354905.2 and 1 more transcripts); short protein forms E200A, E131A, E190A, E165A.
Identifiers: ClinVar variation 3882419 (VCV003882419.1).
Genomic context (GRCh38, chr5:112,780,827, plus strand): 5'-TTTTTTATTATTTGTGGTTTTAGTTTTCCTTACAAACAGATATGACCAGAAGGCAATTGG[A>C]ATATGAAGCAAGGCAAATCAGAGTTGCGATGGAAGAACAACTAGGTACCTGCCAGGATAT-3'
Protein context (NP_000029.2, residues 180-200): LQTDMTRRQL[Glu190Ala]YEARQIRVAM

ClinVar aggregate classification (germline): Uncertain significance (1 of 4 stars; one submission).

Conditions:
Hereditary cancer-predisposing syndrome. Also called: Tumor predisposition; Neoplastic Syndromes, Hereditary; Hereditary Cancer Syndrome; Hereditary neoplastic syndrome. Identifiers: Orphanet 140162, MedGen C0027672, MeSH D009386, MONDO:0015356.

Submission:

Ambry Genetics
Classification: Uncertain significance for Hereditary cancer-predisposing syndrome. Last evaluated: 2025-02-14. Review status: criteria provided, single submitter. Criteria: Ambry Variant Classification Scheme 2023. Collection method: clinical testing. Allele origin: germline.
Comment: The p.E190A variant (also known as c.569A>C), located in coding exon 5 of the APC gene, results from an A to C substitution at nucleotide position 569. The glutamic acid at codon 190 is replaced by alanine, an amino acid with dissimilar properties. This amino acid position is conserved. In addition, in silico predictors for this gene do not accurately predict pathogenicity. Based on the available evidence, the clinical significance of this variant remains unclear.